The following is an entry in ClinVar:

ClinVar aggregate classification (germline): Conflicting classifications of pathogenicity. Review status: criteria provided, conflicting classifications (1 of 4 stars). 3 submissions from 3 submitters: Uncertain significance (2); Benign (1). Last evaluated 2024-01-11.

Conditions:
Primary ciliary dyskinesia 7. Also called: CILIARY DYSKINESIA, PRIMARY, 7, WITH OR WITHOUT SITUS INVERSUS. Identifiers: Orphanet 244, MedGen C2678473, MONDO:0012748, OMIM 611884.
Primary ciliary dyskinesia. Also called: Ciliary dyskinesia. Identifiers: Orphanet 244, MedGen C0008780, MONDO:0016575, HP:0012265.

Allele frequency attached by ClinVar (database versions not stated): gnomAD exomes 0.00001 and 0.00011; TOPMed 0.00002; ExAC 0.00010.
gnomAD v4.1: 21 of 1,577,570 alleles (0.0013%); highest among the groups gnomAD compares: Admixed American, 0.031%; no homozygotes.

Submissions (3):

Labcorp Genetics (formerly Invitae), Labcorp
Classification: Benign for Primary ciliary dyskinesia. Last evaluated: 2024-01-11. Review status: criteria provided, single submitter. Criteria: Invitae Variant Classification Sherloc (09022015). Collection method: clinical testing. Allele origin: germline.

Baylor Genetics
Classification: Uncertain significance for Primary ciliary dyskinesia 7. Last evaluated: 2022-08-11. Review status: criteria provided, single submitter. Criteria: ACMG Guidelines, 2015. Collection method: clinical testing. Allele origin: unknown.

Ambry Genetics
Classification: Uncertain significance for Primary ciliary dyskinesia. Last evaluated: 2022-05-02. Review status: criteria provided, single submitter. Criteria: Ambry Variant Classification Scheme 2023. Collection method: clinical testing. Allele origin: germline.
Comment: The p.G3905A variant (also known as c.11714G>C), located in coding exon 72 of the DNAH11 gene, results from a G to C substitution at nucleotide position 11714. The glycine at codon 3905 is replaced by alanine, an amino acid with similar properties. This amino acid position is conserved. In addition, the in silico prediction for this alteration is inconclusive. Since supporting evidence is limited at this time, the clinical significance of this alteration remains unclear.

NM_001277115.2(DNAH11):c.11714G>C (p.Gly3905Ala)

Gene: DNAH11 (dynein axonemal heavy chain 11; plus strand). Cytogenetic location: 7p15.3.
Variant type: single nucleotide variant.
Coding change: c.11714G>C on transcript NM_001277115.2 (MANE Select); coding-DNA position 11714, G replaced by C.
Protein change: p.Gly3905Ala; replaces glycine 3905 with alanine.
Molecular consequence: missense variant.
Genome position (GRCh38, 1-based): chr7:21,867,882, G>C. VCF-style: chr7-21867882-G-C. GRCh37 (hg19) VCF-style: chr7-21907500-G-C.
Other names: short protein forms G3905A.
Identifiers: ClinVar variation 937089 (VCV000937089.11), dbSNP rs767288107, ClinGen allele CA4182853.
Genomic context (GRCh38, chr7:21,867,882, plus strand): 5'-ACCACTGATCATGTTTTTATATTCTTGTTTTTTATAGAAATTTTGTAGAGGAAAAACTGG[G>C]TGCGAAGTATGTGGAGAGGACCAGATTGGACTTAGTTAAAGCATTCGAAGAAAGCAGCCC-3'
Protein context (NP_001264044.1, residues 3895-3915): ALRNFVEEKL[Gly3905Ala]AKYVERTRLD